The following is an entry in ClinVar:

ClinVar aggregate classification (germline): Pathogenic/Likely pathogenic. Review status: criteria provided, multiple submitters, no conflicts (2 of 4 stars). 7 submissions from 7 submitters: Pathogenic (3); Likely pathogenic (4). Last evaluated 2026-02-09.

Conditions:
Propionic acidemia (PROP). Also called: KETOTIC HYPERGLYCINEMIA; GLYCINEMIA, KETOTIC; HYPERGLYCINEMIA WITH KETOACIDOSIS AND LEUKOPENIA. Identifiers: Orphanet 35, MedGen C0268579, MONDO:0011628, OMIM 606054, HP:0003571.

Allele frequency attached by ClinVar (database versions not stated): ExAC 0.00001; gnomAD 0.00001; gnomAD exomes 0.00001 and 0.00003; TOPMed 0.00001.
gnomAD v4.1: 50 of 1,613,996 alleles (0.0031%); highest among the groups gnomAD compares: Non-Finnish European, 0.0035%; no homozygotes.

Submissions (7):

Women's Health and Genetics/Laboratory Corporation of America, LabCorp
Classification: Pathogenic for Propionic acidemia. Last evaluated: 2026-02-09. Review status: criteria provided, single submitter. Criteria: LabCorp Variant Classification Summary - May 2015. Collection method: clinical testing. Allele origin: germline.
Comment: Variant summary: PCCB c.1535G>A (p.Arg512His) results in a non-conservative amino acid change located in the Acetyl-coenzyme A carboxyltransferase, C-terminal domain of the encoded protein sequence. Algorithms developed to predict the effect of missense changes on protein structure and function all suggest that this variant is likely to be disruptive. The variant allele was found at a frequency of 8e-06 in 251258 control chromosomes (gnomAD). c.1535G>A has been observed in individuals affected with Propionic Acidemia (Rivera-Barahona_2018, Chen_2021). These data indicate that the variant may be associated with disease. A different variant affecting the same codon has been classified as pathogenic by our lab (c.1534C>T, p.Arg512Cys), supporting the critical relevance of codon 512 to PCCB protein function. At least one publication reports experimental evidence evaluating an impact on protein function which reported the variant to be destabilizing with near-null activity (Rivera-Barahona_2018). The following publications have been ascertained in the context of this evaluation (PMID: 33725819, 30274917). ClinVar contains an entry for this variant (Variation ID: 849881). Based on the evidence outlined above, the variant was classified as pathogenic.

Labcorp Genetics (formerly Invitae), Labcorp
Classification: Likely pathogenic for Propionic acidemia. Last evaluated: 2026-01-28. Review status: criteria provided, single submitter. Criteria: Invitae Variant Classification Sherloc (09022015). Collection method: clinical testing. Allele origin: germline.
Comment: This sequence change replaces arginine, which is basic and polar, with histidine, which is basic and polar, at codon 512 of the PCCB protein (p.Arg512His). This variant is present in population databases (rs764697873, gnomAD 0.01%). This missense change has been observed in individual(s) with PCCB-related conditions (PMID: 30274917, 33725819). ClinVar contains an entry for this variant (Variation ID: 849881). Invitae Evidence Modeling of protein sequence and biophysical properties (such as structural, functional, and spatial information, amino acid conservation, physicochemical variation, residue mobility, and thermodynamic stability) indicates that this missense variant is expected to disrupt PCCB protein function with a positive predictive value of 95%. Experimental studies have shown that this missense change affects PCCB function (PMID: 12007220, 30274917). This variant disrupts the p.Arg512 amino acid residue in PCCB. Other variant(s) that disrupt this residue have been determined to be pathogenic (PMID: 9683601, 12757933, 22033733, 23053474). This suggests that this residue is clinically significant, and that variants that disrupt this residue are likely to be disease-causing. In summary, the currently available evidence indicates that the variant is pathogenic, but additional data are needed to prove that conclusively. Therefore, this variant has been classified as Likely Pathogenic.

Natera, Inc.
Classification: Likely pathogenic for Propionic acidemia. Last evaluated: 2025-05-20. Review status: criteria provided, single submitter. Criteria: Natera Variant Classification Schema (03/2026). Collection method: clinical testing. Allele origin: germline.
Comment: The c.1535G>A variant in PCCB is a missense variant predicted to cause substitution of arginine to histidine at amino acid 512. This variant is rare in the general population with a frequency below the threshold expected for the associated phenotype(s). This variant has been observed in one or more individuals affected with the associated recessive disease, as either homozygous or compound heterozygous with a second variant (PMID: 33725819). A different variant at the same position has been determined to be Pathogenic or Likely Pathogenic. Computational prediction algorithms indicate this variant is likely to affect gene or protein function. Given the available evidence, this variant is classified as Likely Pathogenic.

3billion
Classification: Pathogenic for Propionic acidemia. Last evaluated: 2024-12-10. Review status: criteria provided, single submitter. Criteria: ACMG Guidelines, 2015. Collection method: clinical testing. Allele origin: germline. Affected: yes.
Comment: The variant is observed at an extremely low frequency in the gnomAD v4.1.0 dataset (total allele frequency: 0.003%). Predicted Consequence/Location: Missense variant Functional studies provide strong evidence of the variant having a damaging effect on the gene or gene product (PMID: 12757933, 30274917). In silico tool predictions suggest damaging effect of the variant on gene or gene product [REVEL: 0.95 (>=0.6, sensitivity 0.68 and specificity 0.92); 3Cnet: 0.98 (>=0.6, sensitivity 0.72 and precision 0.9)]. The same nucleotide change resulting in the same amino acid change has been previously reported as pathogenic/likely pathogenic with strong evidence (ClinVar ID: VCV000849881 / PMID: 30274917). The variant has been reported to be in trans with a pathogenic variant as either compound heterozygous or homozygous in at least 2 similarly affected unrelated individuals (PMID: 12007220, 22033733, 33028371). A different missense change at the same codon (p.Arg512Cys) has been reported as pathogenic/likely pathogenic with strong evidence (ClinVar ID: VCV000038879 /PMID: 9683601). Therefore, this variant is classified as Pathogenic according to the recommendation of ACMG/AMP guideline.

Fulgent Genetics
Classification: Likely pathogenic for Propionic acidemia. Last evaluated: 2024-03-14. Review status: criteria provided, single submitter. Criteria: ACMG Guidelines, 2015. Collection method: clinical testing. Allele origin: germline.

Baylor Genetics
Classification: Likely pathogenic for Propionic acidemia. Last evaluated: 2024-03-08. Review status: criteria provided, single submitter. Criteria: ACMG Guidelines, 2015. Collection method: clinical testing. Allele origin: unknown.

Juno Genomics, Hangzhou Juno Genomics, Inc
Classification: Pathogenic for Propionic acidemia. Review status: criteria provided, single submitter. Criteria: ACMG Guidelines, 2015. Collection method: clinical testing. Allele origin: germline.
Comment: Absent from controls (or at extremely low frequency if recessive) in Genome Aggregation Database.;Multiple lines of computational evidence support a deleterious effect on the gene or gene product.;Novel missense change at an amino acid residue where a different missense change determined to be pathogenic has been seen before.;For recessive disorders, detected in trans with a pathogenic variant.;Patient's phenotype or family history is highly specific for a disease with a single genetic etiology.

Literature cited by the submitters: PubMed 30274917 (cited by 3 submitters); PubMed 33725819 (cited by 3 submitters); PubMed 12007220 (cited by Labcorp Genetics (formerly Invitae), Labcorp and 3billion); PubMed 9683601 (cited by Labcorp Genetics (formerly Invitae), Labcorp and 3billion); PubMed 12757933 (cited by Labcorp Genetics (formerly Invitae), Labcorp and 3billion); PubMed 22033733 (cited by Labcorp Genetics (formerly Invitae), Labcorp and 3billion); PubMed 23053474 (cited by Labcorp Genetics (formerly Invitae), Labcorp); PubMed 33028371 (cited by 3billion).

NM_000532.5(PCCB):c.1535G>A (p.Arg512His)

Gene: PCCB (propionyl-CoA carboxylase subunit beta; plus strand). Cytogenetic location: 3q22.3.
Variant type: single nucleotide variant.
Coding change: c.1535G>A on transcript NM_000532.5 (MANE Select); coding-DNA position 1535, G replaced by A.
Protein change: p.Arg512His; replaces arginine 512 with histidine.
Molecular consequence: missense variant.
Genome position (GRCh38, 1-based): chr3:136,329,941, G>A. VCF-style: chr3-136329941-G-A. GRCh37 (hg19) VCF-style: chr3-136048783-G-A.
Other names: c.1595G>A, p.Arg532His (NM_001178014.2); short protein forms R512H, R532H.
Identifiers: ClinVar variation 849881 (VCV000849881.19), dbSNP rs764697873, ClinGen allele CA2632234.